The following is an entry in ClinVar:

ClinVar aggregate classification (germline): Benign/Likely benign. Review status: criteria provided, multiple submitters, no conflicts (2 of 4 stars). 10 submissions from 10 submitters: Benign (6); Likely benign (1). 3 of the submissions do not count toward it. Last evaluated 2026-02-01.

Conditions:
Autosomal dominant Parkinson disease 8. Also called: Parkinson disease 8, susceptibility to; LRRK2-Related Parkinson Disease; Parkinson disease 8. Identifiers: Orphanet 411602, MedGen C1846862, MONDO:0011764, OMIM 607060.

Allele frequency attached by ClinVar (database versions not stated): gnomAD exomes 0.11261 and 0.13433; gnomAD 0.11278; ExAC 0.11290; 1000 Genomes Project 0.05591; 1000 Genomes Project 30x 0.05637; TOPMed 0.09486; ESP Exome Variant Server 0.10634.
gnomAD v4.1: 212,051 of 1,611,208 alleles (13%); highest among the groups gnomAD compares: Non-Finnish European, 15%; 16,076 homozygotes.

Submissions (10):

Labcorp Genetics (formerly Invitae), Labcorp
Classification: Benign for Autosomal dominant Parkinson disease 8. Last evaluated: 2026-02-01. Review status: criteria provided, single submitter. Criteria: Invitae Variant Classification Sherloc (09022015). Collection method: clinical testing. Allele origin: germline.

Mayo Clinic Laboratories, Mayo Clinic
Classification: Benign. Last evaluated: 2022-03-24. Review status: criteria provided, single submitter. Criteria: ACMG Guidelines, 2015. Collection method: clinical testing. Allele origin: germline. Observed: 157 variant alleles.

Fulgent Genetics
Classification: Likely benign for Autosomal dominant Parkinson disease 8. Last evaluated: 2021-09-22. Review status: criteria provided, single submitter. Criteria: ACMG Guidelines, 2015. Collection method: clinical testing. Allele origin: unknown.

GeneDx
Classification: Benign. Last evaluated: 2018-09-10. Review status: criteria provided, single submitter. Criteria: GeneDx Variant Classification Process June 2021. Collection method: clinical testing. Allele origin: germline. Affected: yes.

Illumina Laboratory Services, Illumina
Classification: Benign for Autosomal dominant Parkinson disease 8. Last evaluated: 2018-01-13. Review status: criteria provided, single submitter. Criteria: ICSL Variant Classification Criteria 13 December 2019. Collection method: clinical testing. Allele origin: germline.
Comment: This variant was observed in the ICSL laboratory as part of a predisposition screen in an ostensibly healthy population. It had not been previously curated by ICSL or reported in the Human Gene Mutation Database (HGMD: prior to June 1st, 2018), and was therefore a candidate for classification through an automated scoring system. Utilizing variant allele frequency, disease prevalence and penetrance estimates, and inheritance mode, an automated score was calculated to assess if this variant is too frequent to cause the disease. Based on the score and internal cut-off values, a variant classified as benign is not then subjected to further curation. The score for this variant resulted in a classification of benign for this disease.

Athena Diagnostics
Classification: Benign. Last evaluated: 2017-08-11. Review status: criteria provided, single submitter. Criteria: Athena Diagnostics Criteria. Collection method: clinical testing. Allele origin: germline.

Breakthrough Genomics
Classification: Benign. Review status: criteria provided, single submitter. Criteria: ACMG Guidelines, 2015. Collection method: not provided. Allele origin: germline. Inheritance: Autosomal dominant inheritance. Affected: yes.

Clinical Genetics DNA and cytogenetics Diagnostics Lab, Erasmus MC, Erasmus Medical Center
Classification: Benign. Review status: no assertion criteria provided. Collection method: clinical testing. Allele origin: germline. Affected: yes. Study: VKGL Data-share Consensus. Not counted in ClinVar's aggregate classification.

GeneReviews
No classification provided. Condition: Autosomal dominant Parkinson disease 8. Review status: no classification provided. Collection method: literature only. Allele origin: unknown. Not counted in ClinVar's aggregate classification.

Genome Diagnostics Laboratory, Amsterdam University Medical Center
Classification: Benign. Review status: no assertion criteria provided. Collection method: clinical testing. Allele origin: germline. Affected: yes. Study: VKGL Data-share Consensus. Not counted in ClinVar's aggregate classification.

Literature cited by the submitters: PubMed 20301387 (cited by GeneReviews); NCBI Bookshelf NBK1208 (cited by GeneReviews).

NM_198578.4(LRRK2):c.7155A>G (p.Gly2385=)

Gene: LRRK2 (leucine rich repeat kinase 2; plus strand). Cytogenetic location: 12q12.
Variant type: single nucleotide variant.
Coding change: c.7155A>G on transcript NM_198578.4 (MANE Select); coding-DNA position 7155, A replaced by G.
Protein change: p.Gly2385=; no amino-acid change (glycine 2385 retained).
Molecular consequence: synonymous variant.
Genome position (GRCh38, 1-based): chr12:40,363,528, A>G. VCF-style: chr12-40363528-A-G. GRCh37 (hg19) VCF-style: chr12-40757330-A-G.
Other names: p.Gly2385=.
Identifiers: ClinVar variation 39234 (VCV000039234.20), dbSNP rs33962975, ClinGen allele CA343679.